The following is an entry in ClinVar:

NM_001367624.2(ZNF469):c.11210G>A (p.Ser3737Asn)

Gene: ZNF469 (zinc finger protein 469; plus strand). Cytogenetic location: 16q24.2.
Variant type: single nucleotide variant.
Coding change: c.11210G>A on transcript NM_001367624.2 (MANE Select); coding-DNA position 11210, G replaced by A.
Protein change: p.Ser3737Asn; replaces serine 3737 with asparagine.
Molecular consequence: missense variant.
Genome position (GRCh38, 1-based): chr16:88,438,680, G>A. VCF-style: chr16-88438680-G-A. GRCh37 (hg19) VCF-style: chr16-88505088-G-A.
Other names: NM_001127464.1:c.11126G>A; short protein forms S3737N.
Identifiers: ClinVar variation 4866966 (VCV004866966.1).

ClinVar aggregate classification (germline): Uncertain significance (1 of 4 stars; one submission).

Conditions:
Cardiovascular phenotype. Identifiers: MedGen CN230736.

gnomAD v4.1: 6 of 1,549,938 alleles (0.00039%); highest among the groups gnomAD compares: Non-Finnish European, 0.00052%; no homozygotes.

Submission:

Ambry Genetics
Classification: Uncertain significance for Cardiovascular phenotype. Last evaluated: 2026-03-21. Review status: criteria provided, single submitter. Criteria: Ambry Variant Classification Scheme 2023. Collection method: clinical testing. Allele origin: germline.
Comment: The p.S3709N variant (also known as c.11126G>A), located in coding exon 2 of the ZNF469 gene, results from a G to A substitution at nucleotide position 11126. The serine at codon 3709 is replaced by asparagine, an amino acid with highly similar properties. This amino acid position is conserved. In addition, this alteration is predicted to be tolerated by in silico analysis. Based on the available evidence, the clinical significance of this variant remains unclear.